The following is an entry in ClinVar:

NM_003801.4(GPAA1):c.1623G>A (p.Arg541=)

Gene: GPAA1 (glycosylphosphatidylinositol anchor attachment 1; plus strand). Cytogenetic location: 8q24.3.
Variant type: single nucleotide variant.
Coding change: c.1623G>A on transcript NM_003801.4 (MANE Select); coding-DNA position 1623, G replaced by A.
Protein change: p.Arg541=; no amino-acid change (arginine 541 retained).
Molecular consequence: synonymous variant.
Genome position (GRCh38, 1-based): chr8:144,085,882, G>A. VCF-style: chr8-144085882-G-A. GRCh37 (hg19) VCF-style: chr8-145140785-G-A.
Other names: p.Arg541=; c.1623G>A (NM_003801.3).
Identifiers: ClinVar variation 1666405 (VCV001666405.35), dbSNP rs182775098, ClinGen allele CA4933224.

ClinVar aggregate classification (germline): Benign/Likely benign. Review status: criteria provided, multiple submitters, no conflicts (2 of 4 stars). 5 submissions from 5 submitters: Benign (2); Likely benign (2). 1 of the submissions does not count toward it. Last evaluated 2026-08-01.

Conditions:
GPAA1-related disorder. Also called: GPAA1-related condition.

Allele frequency attached by ClinVar (database versions not stated): gnomAD exomes 0.00036 and 0.00095; ExAC 0.00115; 1000 Genomes Project 0.00220; 1000 Genomes Project 30x 0.00234; gnomAD 0.00353 and 0.00384; ESP Exome Variant Server 0.00443.

Submissions (5):

CeGaT Center for Human Genetics Tuebingen
Classification: Likely benign. Last evaluated: 2026-08-01. Review status: criteria provided, single submitter. Criteria: CeGaT Center For Human Genetics Tuebingen Variant Classification Criteria Version 2. Collection method: clinical testing. Allele origin: germline. Affected: yes. Observed: 2 variant alleles.
Comment: GPAA1: BP4, BP7, BS1

Labcorp Genetics (formerly Invitae), Labcorp
Classification: Benign. Last evaluated: 2026-01-24. Review status: criteria provided, single submitter. Criteria: Invitae Variant Classification Sherloc (09022015). Collection method: clinical testing. Allele origin: germline.

Mayo Clinic Laboratories, Mayo Clinic
Classification: Benign. Last evaluated: 2025-01-20. Review status: criteria provided, single submitter. Criteria: ACMG Guidelines, 2015. Collection method: clinical testing. Allele origin: germline. Observed: 2 variant alleles.
Comment: BA1

Blueprint Genetics
Classification: Likely benign. Last evaluated: 2024-10-16. Review status: criteria provided, single submitter. Criteria: ACMG Guidelines, 2015. Collection method: clinical testing. Allele origin: germline.

PreventionGenetics, part of Exact Sciences
Classification: Benign for GPAA1-related condition. Last evaluated: 2019-10-28. Review status: no assertion criteria provided. Collection method: clinical testing. Allele origin: germline. Not counted in ClinVar's aggregate classification.
Comment: This variant is classified as benign based on ACMG/AMP sequence variant interpretation guidelines (Richards et al. 2015 PMID: 25741868, with internal and published modifications).